The following is an entry in ClinVar:

ClinVar aggregate classification (germline): Conflicting classifications of pathogenicity. Review status: criteria provided, conflicting classifications (1 of 4 stars). 3 submissions from 3 submitters: Uncertain significance (1); Likely benign (1). 1 of the submissions does not count toward it. Last evaluated 2025-07-10.

Conditions:
OTOG-related disorder. Also called: OTOG-related condition.

Allele frequency attached by ClinVar (database versions not stated): gnomAD 0.00001 and 0.00002; TOPMed 0.00009; gnomAD exomes 0.00011; 1000 Genomes Project 30x 0.00016.
gnomAD v4.1: 21 of 1,542,426 alleles (0.0014%); highest among the groups gnomAD compares: Admixed American, 0.041%; no homozygotes.

Submissions (3):

Labcorp Genetics (formerly Invitae), Labcorp
Classification: Likely benign. Last evaluated: 2025-07-10. Review status: criteria provided, single submitter. Criteria: Invitae Variant Classification Sherloc (09022015). Collection method: clinical testing. Allele origin: germline.

Eurofins Ntd Llc (ga)
Classification: Uncertain significance. Last evaluated: 2017-01-09. Review status: criteria provided, single submitter. Criteria: EGL Classification Definitions 2015. Collection method: clinical testing. Allele origin: germline. Observed: 1 variant allele, 1 heterozygote.

PreventionGenetics, part of Exact Sciences
Classification: Likely benign for OTOG-related condition. Last evaluated: 2024-09-26. Review status: no assertion criteria provided. Collection method: clinical testing. Allele origin: germline. Not counted in ClinVar's aggregate classification.
Comment: This variant is classified as likely benign based on ACMG/AMP sequence variant interpretation guidelines (Richards et al. 2015 PMID: 25741868, with internal and published modifications).

NM_001292063.2(OTOG):c.7268-7T>A

Gene: OTOG (otogelin; plus strand). Cytogenetic location: 11p15.1.
Variant type: single nucleotide variant.
Coding change: c.7268-7T>A on transcript NM_001292063.2 (MANE Select); 7 bases into the intron before coding-DNA position 7268, T replaced by A.
Molecular consequence: intron variant.
Genome position (GRCh38, 1-based): chr11:17,634,062, T>A. VCF-style: chr11-17634062-T-A. GRCh37 (hg19) VCF-style: chr11-17655609-T-A.
Other names: c.7304-7T>A (NM_001277269.1, NM_001277269.2).
Identifiers: ClinVar variation 499153 (VCV000499153.14), dbSNP rs911853347, ClinGen allele CA218497804.